The following is an entry in ClinVar:

ClinVar aggregate classification (germline): Uncertain significance (1 of 4 stars; one submission).

Conditions:
Early Myoclonic Encephalopathy. Identifiers: MedGen C0270855.

Allele frequency attached by ClinVar (database versions not stated): ExAC 0.00001; gnomAD exomes 0.00001.
gnomAD v4.1: 11 of 1,608,896 alleles (0.00068%); highest among the groups gnomAD compares: Non-Finnish European, 0.00094%; no homozygotes.

Submission:

Labcorp Genetics (formerly Invitae), Labcorp
Classification: Uncertain significance for Early Myoclonic Encephalopathy. Last evaluated: 2019-08-18. Review status: criteria provided, single submitter. Criteria: Invitae Variant Classification Sherloc (09022015). Collection method: clinical testing. Allele origin: germline.
Comment: This sequence change replaces alanine with threonine at codon 1588 of the JMJD1C protein (p.Ala1588Thr). The alanine residue is highly conserved and there is a small physicochemical difference between alanine and threonine. This variant is present in population databases (rs754928152, ExAC 0.002%). This variant has not been reported in the literature in individuals with JMJD1C-related conditions. Algorithms developed to predict the effect of missense changes on protein structure and function are either unavailable or do not agree on the potential impact of this missense change (SIFT: "Deleterious"; PolyPhen-2: "Possibly Damaging"; Align-GVGD: "Class C0"). In summary, the available evidence is currently insufficient to determine the role of this variant in disease. Therefore, it has been classified as a Variant of Uncertain Significance.

NM_032776.3(JMJD1C):c.4762G>A (p.Ala1588Thr)

Gene: JMJD1C (jumonji domain containing 1C; minus strand). Cytogenetic location: 10q21.3.
Variant type: single nucleotide variant.
Coding change: c.4762G>A on transcript NM_032776.3 (MANE Select); coding-DNA position 4762, G replaced by A.
Protein change: p.Ala1588Thr; replaces alanine 1588 with threonine.
Molecular consequence: missense variant. On other transcripts: non-coding transcript variant (1).
Genome position (GRCh38, 1-based): chr10:63,206,907, C>T on the plus strand (G>A on the coding strand, the complement: JMJD1C is on the minus strand). VCF-style: chr10-63206907-C-T. GRCh37 (hg19) VCF-style: chr10-64966667-C-T.
Other names: c.4216G>A, p.Ala1406Thr (NM_001282948.2, NM_001318154.2); c.3898G>A, p.Ala1300Thr (NM_001318153.2); c.4648G>A, p.Ala1550Thr (NM_001322252.2); c.4105G>A, p.Ala1369Thr (NM_001322254.2, NM_001322258.2); short protein forms A1300T, A1550T, A1369T, A1406T, A1588T.
Identifiers: ClinVar variation 957602 (VCV000957602.9), dbSNP rs754928152, ClinGen allele CA5518215.